The following is an entry in ClinVar:

NM_032043.3(BRIP1):c.274T>C (p.Ser92Pro)

Gene: BRIP1 (BRCA1 interacting DNA helicase 1; minus strand). Cytogenetic location: 17q23.2.
Variant type: single nucleotide variant.
Coding change: c.274T>C on transcript NM_032043.3 (MANE Select); coding-DNA position 274, T replaced by C.
Protein change: p.Ser92Pro; replaces serine 92 with proline.
Molecular consequence: missense variant.
Genome position (GRCh38, 1-based): chr17:61,857,163, A>G on the plus strand (T>C on the coding strand, the complement: BRIP1 is on the minus strand). VCF-style: chr17-61857163-A-G. GRCh37 (hg19) VCF-style: chr17-59934524-A-G.
Other names: short protein forms S92P.
Identifiers: ClinVar variation 949734 (VCV000949734.11), dbSNP rs755930156, ClinGen allele CA8690965.

ClinVar aggregate classification (germline): Uncertain significance. Review status: criteria provided, multiple submitters, no conflicts (2 of 4 stars). 2 submissions from 2 submitters: Uncertain significance (2). Last evaluated 2026-01-16.

Conditions:
Fanconi anemia complementation group J. Also called: BRIP1-Related Fanconi Anemia. Identifiers: Orphanet 84, MedGen C1836860, MONDO:0012187, OMIM 609054.
Familial cancer of breast. Also called: BREAST CANCER, FAMILIAL; Hereditary breast cancer; hereditary breast carcinoma. Identifiers: Orphanet 227535, MedGen C0346153, MONDO:0016419, OMIM 114480. Disease mechanism: loss of function.
Hereditary cancer-predisposing syndrome. Also called: Tumor predisposition; Hereditary neoplastic syndrome; Hereditary Cancer Syndrome; Neoplastic Syndromes, Hereditary. Identifiers: Orphanet 140162, MedGen C0027672, MeSH D009386, MONDO:0015356.

Allele frequency attached by ClinVar (database versions not stated): gnomAD exomes below 0.00001; ExAC 0.00001.
gnomAD v4.1: 1 of 1,614,140 alleles (0.000062%); highest among the groups gnomAD compares: Non-Finnish European, 0.000085%; no homozygotes.

Submissions (2):

Ambry Genetics
Classification: Uncertain significance for Hereditary cancer-predisposing syndrome. Last evaluated: 2026-01-16. Review status: criteria provided, single submitter. Criteria: Ambry Variant Classification Scheme 2023. Collection method: clinical testing. Allele origin: germline.
Comment: The p.S92P variant (also known as c.274T>C), located in coding exon 3 of the BRIP1 gene, results from a T to C substitution at nucleotide position 274. The serine at codon 92 is replaced by proline, an amino acid with similar properties. This amino acid position is conserved. In addition, this alteration is predicted to be tolerated by in silico analysis. Based on the available evidence, the clinical significance of this variant remains unclear.

Labcorp Genetics (formerly Invitae), Labcorp
Classification: Uncertain significance for Familial cancer of breast; Fanconi anemia complementation group J. Last evaluated: 2024-02-17. Review status: criteria provided, single submitter. Criteria: Invitae Variant Classification Sherloc (09022015). Collection method: clinical testing. Allele origin: germline.
Comment: This sequence change replaces serine, which is neutral and polar, with proline, which is neutral and non-polar, at codon 92 of the BRIP1 protein (p.Ser92Pro). This variant is present in population databases (rs755930156, gnomAD 0.0009%). This variant has not been reported in the literature in individuals affected with BRIP1-related conditions. ClinVar contains an entry for this variant (Variation ID: 949734). Advanced modeling of protein sequence and biophysical properties (such as structural, functional, and spatial information, amino acid conservation, physicochemical variation, residue mobility, and thermodynamic stability) performed at Invitae indicates that this missense variant is not expected to disrupt BRIP1 protein function with a negative predictive value of 80%. In summary, the available evidence is currently insufficient to determine the role of this variant in disease. Therefore, it has been classified as a Variant of Uncertain Significance.